The following is an entry in ClinVar:

ClinVar aggregate classification (germline): Conflicting classifications of pathogenicity. Review status: criteria provided, conflicting classifications (1 of 4 stars). 2 submissions from 2 submitters: Uncertain significance (1); Likely benign (1). Last evaluated 2025-09-28.

Conditions:
Inborn genetic diseases. Identifiers: MedGen C0950123, MeSH D030342.

gnomAD v4.1: 1 of 1,614,068 alleles (0.000062%); highest among the groups gnomAD compares: Non-Finnish European, 0.000085%; no homozygotes.

Submissions (2):

Ambry Genetics
Classification: Likely benign for Inborn genetic diseases. Last evaluated: 2025-09-28. Review status: criteria provided, single submitter. Criteria: Ambry Variant Classification Scheme 2023. Collection method: clinical testing. Allele origin: germline.

Labcorp Genetics (formerly Invitae), Labcorp
Classification: Uncertain significance. Last evaluated: 2025-05-11. Review status: criteria provided, single submitter. Criteria: Invitae Variant Classification Sherloc (09022015). Collection method: clinical testing. Allele origin: germline.
Comment: This sequence change replaces glycine, which is neutral and non-polar, with aspartic acid, which is acidic and polar, at codon 297 of the MBD4 protein (p.Gly297Asp). This variant is not present in population databases (gnomAD no frequency). This variant has not been reported in the literature in individuals affected with MBD4-related conditions. An algorithm developed to predict the effect of missense changes on protein structure and function outputs the following: PolyPhen-2: "Benign". The aspartic acid amino acid residue is found in multiple mammalian species, which suggests that this missense change does not adversely affect protein function. In summary, the available evidence is currently insufficient to determine the role of this variant in disease. Therefore, it has been classified as a Variant of Uncertain Significance.

NM_001276270.2(MBD4):c.890G>A (p.Gly297Asp)

Gene: MBD4 (methyl-CpG binding domain 4, DNA glycosylase; minus strand). Cytogenetic location: 3q21.3.
Variant type: single nucleotide variant.
Coding change: c.890G>A on transcript NM_001276270.2 (MANE Select); coding-DNA position 890, G replaced by A.
Protein change: p.Gly297Asp; replaces glycine 297 with aspartic acid.
Molecular consequence: missense variant. On other transcripts: intron variant (1).
Genome position (GRCh38, 1-based): chr3:129,436,754, C>T on the plus strand (G>A on the coding strand, the complement: MBD4 is on the minus strand). VCF-style: chr3-129436754-C-T. GRCh37 (hg19) VCF-style: chr3-129155597-C-T.
Other names: c.890G>A, p.Gly297Asp (NM_001276271.2, NM_001276272.2, NM_003925.3); c.247+1054G>A (NM_001276273.2); short protein forms G297D.
Identifiers: ClinVar variation 4624387 (VCV004624387.2).
Genomic context (GRCh38, chr3:129,436,754, plus strand): 5'-AATGATCTTTCTTTTTTTTTTACAAGGCTGTTTTCTTCACTGGTCACACTGAGGGTCTCA[C>T]CACATGCTCCAGCATCAGAAATGCAGACAGTTCTATCAAGCTGACTTTTTTGTGCAACAG-3'
Protein context (NP_001263199.1, residues 287-307): TVCISDAGAC[Gly297Asp]ETLSVTSEEN